The following is an entry in ClinVar:

NM_017617.5(NOTCH1):c.4010C>G (p.Pro1337Arg)

Gene: NOTCH1 (notch receptor 1; minus strand). Cytogenetic location: 9q34.3.
Variant type: single nucleotide variant.
Coding change: c.4010C>G on transcript NM_017617.5 (MANE Select); coding-DNA position 4010, C replaced by G.
Protein change: p.Pro1337Arg; replaces proline 1337 with arginine.
Molecular consequence: missense variant.
Genome position (GRCh38, 1-based): chr9:136,506,531, G>C on the plus strand (C>G on the coding strand, the complement: NOTCH1 is on the minus strand). VCF-style: chr9-136506531-G-C. GRCh37 (hg19) VCF-style: chr9-139400983-G-C.
Other names: c.4010C>G, p.Pro1337Arg (LRG_1122t1); short protein forms P1337R.
Identifiers: ClinVar variation 423102 (VCV000423102.22), dbSNP rs1043832212, ClinGen allele CA16618803.

ClinVar aggregate classification (germline): Uncertain significance. Review status: criteria provided, multiple submitters, no conflicts (2 of 4 stars). 6 submissions from 5 submitters: Uncertain significance (6). Last evaluated 2025-09-21.

Conditions:
Adams-Oliver syndrome 5 (AOS5). Identifiers: Orphanet 974, MedGen C4014970, MONDO:0014459, OMIM 616028.
Familial thoracic aortic aneurysm and aortic dissection (TAAD). Also called: Thoracic aortic aneurysms and dissections. Identifiers: Orphanet 91387, MedGen C4707243, MONDO:0019625.
Aortic valve disease 1 (AOVD1). Identifiers: MedGen C3887892, MONDO:0024523, OMIM 109730.

Allele frequency attached by ClinVar (database versions not stated): gnomAD 0.00001; TOPMed 0.00001; gnomAD exomes 0.00002.
gnomAD v4.1: 37 of 1,598,006 alleles (0.0023%); highest among the groups gnomAD compares: Non-Finnish European, 0.0029%; no homozygotes.

Submissions (6):

Ambry Genetics
Classification: Uncertain significance for Familial thoracic aortic aneurysm and aortic dissection. Last evaluated: 2025-09-21. Review status: criteria provided, single submitter. Criteria: Ambry Variant Classification Scheme 2023. Collection method: clinical testing. Allele origin: germline.
Comment: The p.P1337R variant (also known as c.4010C>G), located in coding exon 24 of the NOTCH1 gene, results from a C to G substitution at nucleotide position 4010. The proline at codon 1337 is replaced by arginine, an amino acid with dissimilar properties. This alteration has been reported in a hereditable thoracic aortic aneurysm cohort; however, clinical details were limited (Musfee FI et al. Mol Genet Genomic Med, 2020 10;8:e1406). This amino acid position is highly conserved in available vertebrate species. In addition, the in silico prediction for this alteration is inconclusive. Since supporting evidence is limited at this time, the clinical significance of this alteration remains unclear.

Labcorp Genetics (formerly Invitae), Labcorp
Classification: Uncertain significance for Adams-Oliver syndrome 5. Last evaluated: 2025-09-10. Review status: criteria provided, single submitter. Criteria: Invitae Variant Classification Sherloc (09022015). Collection method: clinical testing. Allele origin: germline.
Comment: This sequence change replaces proline, which is neutral and non-polar, with arginine, which is basic and polar, at codon 1337 of the NOTCH1 protein (p.Pro1337Arg). This variant is not present in population databases (gnomAD no frequency). This variant has not been reported in the literature in individuals affected with NOTCH1-related conditions. ClinVar contains an entry for this variant (Variation ID: 423102). Invitae Evidence Modeling of protein sequence and biophysical properties (such as structural, functional, and spatial information, amino acid conservation, physicochemical variation, residue mobility, and thermodynamic stability) indicates that this missense variant is not expected to disrupt NOTCH1 protein function with a negative predictive value of 80%. In summary, the available evidence is currently insufficient to determine the role of this variant in disease. Therefore, it has been classified as a Variant of Uncertain Significance.

GeneDx
Classification: Uncertain significance. Last evaluated: 2025-01-31. Review status: criteria provided, single submitter. Criteria: GeneDx Variant Classification Process June 2021. Collection method: clinical testing. Allele origin: germline. Affected: yes.
Comment: Identified in a proband from a Heritable Thoracic Aortic Aneurysms or Dissections (HTAD) cohort in the published literature (PMID: 32748548); Not observed at significant frequency in large population cohorts (gnomAD); In silico analysis supports that this missense variant has a deleterious effect on protein structure/function; This variant is associated with the following publications: (PMID: 32748548)

Genome-Nilou Lab
Classification: Uncertain significance for Adams-Oliver syndrome 5. Last evaluated: 2022-03-15. Review status: criteria provided, single submitter. Criteria: ACMG Guidelines, 2015. Collection method: clinical testing. Allele origin: germline. Affected: no.

Genome-Nilou Lab
Classification: Uncertain significance for Aortic valve disease 1. Last evaluated: 2022-03-15. Review status: criteria provided, single submitter. Criteria: ACMG Guidelines, 2015. Collection method: clinical testing. Allele origin: germline. Affected: no.

AiLife Diagnostics
Classification: Uncertain significance. Last evaluated: 2021-12-15. Review status: criteria provided, single submitter. Criteria: ACMG Guidelines, 2015. Collection method: clinical testing. Allele origin: germline. Affected: yes. Observed: 1 variant allele.

Literature cited by the submitters: PubMed 32748548 (cited by Ambry Genetics).